The following is an entry in ClinVar:

ClinVar aggregate classification (germline): Uncertain significance. Review status: criteria provided, multiple submitters, no conflicts (2 of 4 stars). 2 submissions from 2 submitters: Uncertain significance (2). Last evaluated 2025-07-07.

Conditions:
Nemaline myopathy 8 (NEM8). Also called: Nemaline myopathy 8, autosomal recessive. Identifiers: Orphanet 171430, MedGen C3809209, MONDO:0014138, OMIM 615348.

Submissions (2):

GeneDx
Classification: Uncertain significance. Last evaluated: 2025-07-07. Review status: criteria provided, single submitter. Criteria: GeneDx Variant Classification Process June 2021. Collection method: clinical testing. Allele origin: germline. Affected: yes.
Comment: Not observed at significant frequency in large population cohorts (gnomAD); Has not been previously published as pathogenic or benign to our knowledge; Frameshift variant predicted to result in abnormal protein length as the last 3 amino acid(s) are replaced with 81 different amino acid(s) with an unclear effect on protein function

Labcorp Genetics (formerly Invitae), Labcorp
Classification: Uncertain significance for Nemaline myopathy 8. Last evaluated: 2022-08-16. Review status: criteria provided, single submitter. Criteria: Invitae Variant Classification Sherloc (09022015). Collection method: clinical testing. Allele origin: germline.
Comment: This sequence change results in a frameshift in the KLHL40 gene (p.Thr619Argfs*82). While this is not anticipated to result in nonsense mediated decay, it is expected to disrupt the last 3 amino acid(s) of the KLHL40 protein and extend the protein by 78 additional amino acid residues. This variant is present in population databases (rs760752881, gnomAD 0.01%). This variant has not been reported in the literature in individuals affected with KLHL40-related conditions. ClinVar contains an entry for this variant (Variation ID: 950932). In summary, the available evidence is currently insufficient to determine the role of this variant in disease. Therefore, it has been classified as a Variant of Uncertain Significance.

NM_152393.4(KLHL40):c.1854_1857del (p.Thr619fs)

Gene: KLHL40 (kelch like family member 40; plus strand). Cytogenetic location: 3p22.1.
Variant type: Deletion.
Coding change: c.1854_1857del on transcript NM_152393.4 (MANE Select); coding-DNA positions 1854 to 1857, 4 bases deleted (GACT; older notation c.1854_1857delGACT).
Protein change: p.Thr619fs; shifts the reading frame from threonine 619.
Molecular consequence: frameshift variant.
Genome position (GRCh38, 1-based): chr3:42,691,981-42,691,984, GACT deleted; deleting any 4 consecutive bases within chr3:42,691,979-42,691,984 gives the same sequence; the c. name uses the placement nearest the transcript's 3' end. VCF-style (leftmost placement, unchanged base first): chr3-42691978-CCTGA-C. GRCh37 (hg19) VCF-style: chr3-42733470-CCTGA-C.
Other names: short protein forms T619fs.
Identifiers: ClinVar variation 950932 (VCV000950932.5), dbSNP rs377241839, ClinGen allele CA2337118.